The following is an entry in ClinVar:

NM_005120.3(MED12):c.2456G>A (p.Arg819Gln)

Gene: MED12 (mediator complex subunit 12; plus strand). Cytogenetic location: Xq13.1.
Variant type: single nucleotide variant.
Coding change: c.2456G>A on transcript NM_005120.3 (MANE Select); coding-DNA position 2456, G replaced by A.
Protein change: p.Arg819Gln; replaces arginine 819 with glutamine.
Molecular consequence: missense variant.
Genome position (GRCh38, 1-based): chrX:71,126,069, G>A. VCF-style: chrX-71126069-G-A. GRCh37 (hg19) VCF-style: chrX-70345919-G-A.
Other names: short protein forms R819Q.
Identifiers: ClinVar variation 949389 (VCV000949389.11), dbSNP rs1192740859, ClinGen allele CA413515328.
Genomic context (GRCh38, chrX:71,126,069, plus strand): 5'-ACTGGTCCCTTTCAACTGTCCCCTCAGGTGGGGAGGATGGGCAGAAGCGGCGACGCAACC[G>A]GCCTGAAGCCTTCCCCACTGCTGAAGATATCTTTGCTAAGTTCCAGCACCTTTCACATTA-3'
Protein context (NP_005111.2, residues 809-829): GEDGQKRRRN[Arg819Gln]PEAFPTAEDI

ClinVar aggregate classification (germline): Uncertain significance. Review status: criteria provided, multiple submitters, no conflicts (2 of 4 stars). 2 submissions from 2 submitters: Uncertain significance (2). Last evaluated 2024-03-27.

Conditions:
FG syndrome (FGS). Identifiers: MedGen C0220769, MONDO:0002010.

Allele frequency attached by ClinVar (database versions not stated): gnomAD exomes 0.00001.
gnomAD v4.1: 11 of 1,210,803 alleles (0.00091%); highest among the groups gnomAD compares: Non-Finnish European, 0.0012%; no homozygotes.

Submissions (2):

GeneDx
Classification: Uncertain significance. Last evaluated: 2024-03-27. Review status: criteria provided, single submitter. Criteria: GeneDx Variant Classification Process June 2021. Collection method: clinical testing. Allele origin: germline. Affected: yes.
Comment: Not observed at significant frequency in large population cohorts (gnomAD); In silico analysis supports that this missense variant does not alter protein structure/function; Has not been previously published as pathogenic or benign to our knowledge

Labcorp Genetics (formerly Invitae), Labcorp
Classification: Uncertain significance for FG syndrome. Last evaluated: 2022-10-19. Review status: criteria provided, single submitter. Criteria: Invitae Variant Classification Sherloc (09022015). Collection method: clinical testing. Allele origin: germline.
Comment: Advanced modeling of protein sequence and biophysical properties (such as structural, functional, and spatial information, amino acid conservation, physicochemical variation, residue mobility, and thermodynamic stability) performed at Invitae indicates that this missense variant is not expected to disrupt MED12 protein function. In summary, the available evidence is currently insufficient to determine the role of this variant in disease. Therefore, it has been classified as a Variant of Uncertain Significance. ClinVar contains an entry for this variant (Variation ID: 949389). This variant has not been reported in the literature in individuals affected with MED12-related conditions. This variant is not present in population databases (gnomAD no frequency). This sequence change replaces arginine, which is basic and polar, with glutamine, which is neutral and polar, at codon 819 of the MED12 protein (p.Arg819Gln).